The following is an entry in ClinVar:

NM_001330078.2(NRXN1):c.3123A>T (p.Lys1041Asn)

Gene: NRXN1 (neurexin 1; minus strand). Cytogenetic location: 2p16.3.
Variant type: single nucleotide variant.
Coding change: c.3123A>T on transcript NM_001330078.2 (MANE Select); coding-DNA position 3123, A replaced by T.
Protein change: p.Lys1041Asn; replaces lysine 1041 with asparagine.
Molecular consequence: missense variant.
Genome position (GRCh38, 1-based): chr2:50,472,419, T>A on the plus strand (A>T on the coding strand, the complement: NRXN1 is on the minus strand). VCF-style: chr2-50472419-T-A. GRCh37 (hg19) VCF-style: chr2-50699557-T-A.
Other names: c.3243A>T, p.Lys1081Asn (NM_001135659.3); c.3099A>T, p.Lys1033Asn (NM_001330077.2, NM_001330082.2); c.3057A>T, p.Lys1019Asn (NM_001330083.2, NM_001330084.2); c.3096A>T, p.Lys1032Asn (NM_001330085.2); c.3123A>T, p.Lys1041Asn (NM_001330086.2, NM_004801.6); c.3012A>T, p.Lys1004Asn (NM_001330087.2, NM_001330096.2); c.3042A>T, p.Lys1014Asn (NM_001330088.2); c.3120A>T, p.Lys1040Asn (NM_001330093.2); and 2 more; short protein forms K1019N, K1033N, K1037N, K1040N, K1004N, K1014N, K1032N, K1024N.
Identifiers: ClinVar variation 3407910 (VCV003407910.3).

ClinVar aggregate classification (germline): Uncertain significance. Review status: criteria provided, multiple submitters, no conflicts (2 of 4 stars). 2 submissions from 2 submitters: Uncertain significance (2). Last evaluated 2026-01-28.

Conditions:
Inborn genetic diseases. Identifiers: MedGen C0950123, MeSH D030342.
Pitt-Hopkins-like syndrome 2 (PTHSL2). Identifiers: Orphanet 221150, Orphanet 600663, MedGen C3280479, MONDO:0013690, OMIM 614325.

gnomAD v4.1: 4 of 1,612,228 alleles (0.00025%); highest among the groups gnomAD compares: African/African-American, 0.0013%; no homozygotes.

Submissions (2):

Labcorp Genetics (formerly Invitae), Labcorp
Classification: Uncertain significance for Pitt-Hopkins-like syndrome 2. Last evaluated: 2026-01-28. Review status: criteria provided, single submitter. Criteria: Invitae Variant Classification Sherloc (09022015). Collection method: clinical testing. Allele origin: germline.
Comment: This sequence change replaces lysine, which is basic and polar, with asparagine, which is neutral and polar, at codon 1081 of the NRXN1 protein (p.Lys1081Asn). This variant is present in population databases (rs546830063, gnomAD 0.007%). This variant has not been reported in the literature in individuals affected with NRXN1-related conditions. ClinVar contains an entry for this variant (Variation ID: 3407910). An algorithm developed to predict the effect of missense changes on protein structure and function (PolyPhen-2) suggests that this variant is likely to be disruptive. In summary, the available evidence is currently insufficient to determine the role of this variant in disease. Therefore, it has been classified as a Variant of Uncertain Significance.

Ambry Genetics
Classification: Uncertain significance for Inborn genetic diseases. Last evaluated: 2024-08-01. Review status: criteria provided, single submitter. Criteria: Ambry Variant Classification Scheme 2023. Collection method: clinical testing. Allele origin: germline.